The following is an entry in ClinVar:

NM_176806.4(MOCS2):c.88C>T (p.Gln30Ter)

Gene: MOCS2 (molybdenum cofactor synthesis 2; minus strand). Cytogenetic location: 5q11.2.
Variant type: single nucleotide variant.
Coding change: c.88C>T on transcript NM_176806.4 (MANE Plus Clinical); coding-DNA position 88, C replaced by T.
Protein change: p.Gln30Ter; replaces glutamine 30 with a stop codon.
Molecular consequence: nonsense. On other transcripts: 5 prime UTR variant (1).
Genome position (GRCh38, 1-based): chr5:53,108,574, G>A on the plus strand (C>T on the coding strand, the complement: MOCS2 is on the minus strand). VCF-style: chr5-53108574-G-A. GRCh37 (hg19) VCF-style: chr5-52404404-G-A.
Other names: c.-100C>T (NM_004531.5, NM_183418.1); short protein forms Q30*.
Identifiers: ClinVar variation 2153568 (VCV002153568.8), dbSNP rs754015492, ClinGen allele CA3263803.
Genomic context (GRCh38, chr5:53,108,574, plus strand): 5'-TTAACTACCCAGGATGTCGAGTTTCTATCTCCTTCCACAGCTGCAACGCTTTTATTTCTT[G>A]AGGCACAGAAATGGTCTCTGAACGAACTCCTGTTATTTCAGCACTTTTTGCAAAATACAA-3'

ClinVar aggregate classification (germline): Pathogenic/Likely pathogenic. Review status: criteria provided, multiple submitters, no conflicts (2 of 4 stars). 4 submissions from 4 submitters: Pathogenic (3); Likely pathogenic (1). Last evaluated 2025-04-22.

Conditions:
MOCS2-related disorders.
Sulfite oxidase deficiency due to molybdenum cofactor deficiency type B1 (MOCODB1). Also called: MOLYBDENUM COFACTOR DEFICIENCY, TYPE B1; Molybdenum cofactor deficiency, complementation group B; Molybdenum cofactor deficiency B; Sulfite oxidase deficiency due to molybdenum cofactor deficiency type B. Identifiers: Orphanet 308393, Orphanet 833, MedGen C6065887, MONDO:0009644, OMIM 252160.
Combined molybdoflavoprotein enzyme deficiency (MOCOD). Also called: Molybdenum cofactor deficiency; Combined deficiency of sulfite oxidase, xanthine dehydrogenase, and aldehyde oxidase; Sulfite oxidase deficiency due to molybdenum cofactor deficiency. Identifiers: Orphanet 833, Orphanet 99732, MedGen C0268119, MONDO:0020480, HP:0003570.

Allele frequency attached by ClinVar (database versions not stated): gnomAD 0.00001; ExAC 0.00002.

Submissions (4):

Women's Health and Genetics/Laboratory Corporation of America, LabCorp
Classification: Pathogenic for Combined molybdoflavoprotein enzyme deficiency. Last evaluated: 2025-04-22. Review status: criteria provided, single submitter. Criteria: LabCorp Variant Classification Summary - May 2015. Collection method: clinical testing. Allele origin: germline.
Comment: Variant summary: MOCS2 NM_176806 c.88C>T (p.Gln30X) results in a premature termination codon, predicted to cause absence of the protein due to nonsense mediated decay, which is a commonly known mechanism for disease. The variant is also annotated as MOCS2 NM_004531 c.-100C>T and located in the untranslated mRNA region upstream of the initiation codon. The variant allele was found at a frequency of 1.2e-05 in 249020 control chromosomes. c.88C>T has been observed in the compound heterozygous state in at least one individual affected with Molybdenum Cofactor Deficiency (Reiss_2003). The following publication has been ascertained in the context of this evaluation (PMID: 12754701). ClinVar contains an entry for this variant (Variation ID: 2153568). Based on the evidence outlined above, the variant was classified as pathogenic.

Labcorp Genetics (formerly Invitae), Labcorp
Classification: Pathogenic. Last evaluated: 2025-02-17. Review status: criteria provided, single submitter. Criteria: Invitae Variant Classification Sherloc (09022015). Collection method: clinical testing. Allele origin: germline.
Comment: This sequence change creates a premature translational stop signal (p.Gln30*) in the MOCS2A gene. It is expected to result in an absent or disrupted protein product. Loss-of-function variants in MOCS2A are known to be pathogenic (PMID: 21031595). This variant is present in population databases (rs754015492, gnomAD 0.002%). This premature translational stop signal has been observed in individual(s) with molybdenum cofactor deficiency (PMID: 12754701). ClinVar contains an entry for this variant (Variation ID: 2153568). Algorithms developed to predict the effect of sequence changes on RNA splicing suggest that this variant may disrupt the consensus splice site. For these reasons, this variant has been classified as Pathogenic.

Blueprint Genetics
Classification: Likely pathogenic for MOCS2-related disorders. Last evaluated: 2024-08-27. Review status: criteria provided, single submitter. Criteria: ACMG Guidelines, 2015. Collection method: clinical testing. Allele origin: germline. Affected: yes. Observed: 5 variant alleles.

Fulgent Genetics
Classification: Pathogenic for Sulfite oxidase deficiency due to molybdenum cofactor deficiency type B1. Last evaluated: 2024-04-06. Review status: criteria provided, single submitter. Criteria: ACMG Guidelines, 2015. Collection method: clinical testing. Allele origin: germline.

Literature cited by the submitters: PubMed 12754701 (cited by Women's Health and Genetics/Laboratory Corporation of America, LabCorp and Labcorp Genetics (formerly Invitae), Labcorp); PubMed 21031595 (cited by Labcorp Genetics (formerly Invitae), Labcorp).